The following is an entry in ClinVar:

ClinVar aggregate classification (germline): Benign/Likely benign. Review status: criteria provided, multiple submitters, no conflicts (2 of 4 stars). 3 submissions from 3 submitters: Benign (1); Likely benign (2). Last evaluated 2026-07-14.

Conditions:
Rhabdoid tumor predisposition syndrome 2 (RTPS2). Identifiers: Orphanet 231108, Orphanet 69077, MedGen C2750074, MONDO:0013224, OMIM 613325.
Hereditary cancer-predisposing syndrome. Also called: Tumor predisposition; Neoplastic Syndromes, Hereditary; Hereditary Cancer Syndrome; Hereditary neoplastic syndrome. Identifiers: Orphanet 140162, MedGen C0027672, MeSH D009386, MONDO:0015356.

Allele frequency attached by ClinVar (database versions not stated): ExAC 0.00001; gnomAD exomes 0.00002 and 0.00001.
gnomAD v4.1: 6 of 1,613,218 alleles (0.00037%); highest among the groups gnomAD compares: Admixed American, 0.01%; no homozygotes.

Submissions (3):

Myriad Genetics, Inc.
Classification: Benign for Rhabdoid tumor predisposition syndrome 2. Last evaluated: 2026-07-14. Review status: criteria provided, single submitter. Criteria: Myriad Autosomal Dominant, Autosomal Recessive and X-Linked Classification Criteria (2023). Collection method: clinical testing. Allele origin: unknown.
Comment: This variant is considered benign. This variant is a silent/synonymous amino acid change and it is not expected to impact splicing.

Labcorp Genetics (formerly Invitae), Labcorp
Classification: Likely benign for Rhabdoid tumor predisposition syndrome 2. Last evaluated: 2025-11-25. Review status: criteria provided, single submitter. Criteria: Invitae Variant Classification Sherloc (09022015). Collection method: clinical testing. Allele origin: germline.

Ambry Genetics
Classification: Likely benign for Hereditary cancer-predisposing syndrome. Last evaluated: 2016-06-29. Review status: criteria provided, single submitter. Criteria: Ambry Variant Classification Scheme 2023. Collection method: clinical testing. Allele origin: germline.

NM_003072.5(SMARCA4):c.3027C>T (p.Arg1009=)

Gene: SMARCA4 (SWI/SNF related BAF chromatin remodeling complex subunit ATPase 4; plus strand). Cytogenetic location: 19p13.2.
Variant type: single nucleotide variant.
Coding change: c.3027C>T on transcript NM_003072.5 (MANE Select); coding-DNA position 3027, C replaced by T.
Protein change: p.Arg1009=; no amino-acid change (arginine 1009 retained).
Molecular consequence: synonymous variant. On other transcripts: non-coding transcript variant (1).
Genome position (GRCh38, 1-based): chr19:11,024,384, C>T. VCF-style: chr19-11024384-C-T. GRCh37 (hg19) VCF-style: chr19-11135060-C-T.
Other names: c.3027C>T, p.Arg1009= (NM_001128844.3, NM_001128845.2, NM_001128846.2 and 5 more transcripts).
Identifiers: ClinVar variation 484907 (VCV000484907.15), dbSNP rs753389473, ClinGen allele CA9204299.
Genomic context (GRCh38, chr19:11,024,384, plus strand): 5'-CCTGCAGGTGGAGTACGTCATCAAGTGCGACATGTCTGCGCTGCAGCGAGTGCTCTACCG[C>T]CACATGCAGGCCAAGGGCGTGCTGCTGACTGATGGCTCCGAGAAGGACAAGAAGGTGGGC-3'
Protein context (NP_003063.2, residues 999-1019): DMSALQRVLY[Arg1009=]HMQAKGVLLT